The following is an entry in ClinVar:

NM_000815.5(GABRD):c.250-1G>A

Gene: GABRD (gamma-aminobutyric acid type A receptor subunit delta; plus strand). Cytogenetic location: 1p36.33.
Variant type: single nucleotide variant.
Coding change: c.250-1G>A on transcript NM_000815.5 (MANE Select); the canonical splice acceptor site of the intron before coding-DNA position 250, G replaced by A.
Molecular consequence: splice acceptor variant.
Genome position (GRCh38, 1-based): chr1:2,025,517, G>A. VCF-style: chr1-2025517-G-A. GRCh37 (hg19) VCF-style: chr1-1956956-G-A.
Identifiers: ClinVar variation 2812147 (VCV002812147.3), dbSNP rs2525628516, ClinGen allele CA337956685.

ClinVar aggregate classification (germline): Uncertain significance (1 of 4 stars; one submission).

Conditions:
Idiopathic generalized epilepsy. Also called: Generalised epilepsy; EIG. Identifiers: MedGen C0270850, MONDO:0005579, OMIM 600669.

Allele frequency attached by ClinVar (database versions not stated): gnomAD exomes below 0.00001.
gnomAD v4.1: 2 of 1,612,960 alleles (0.00012%); highest among the groups gnomAD compares: Non-Finnish European, 0.00017%; no homozygotes.

Submission:

Labcorp Genetics (formerly Invitae), Labcorp
Classification: Uncertain significance for Idiopathic generalized epilepsy. Last evaluated: 2022-11-04. Review status: criteria provided, single submitter. Criteria: Invitae Variant Classification Sherloc (09022015). Collection method: clinical testing. Allele origin: germline.
Comment: In summary, the available evidence is currently insufficient to determine the role of this variant in disease. Therefore, it has been classified as a Variant of Uncertain Significance. Algorithms developed to predict the effect of sequence changes on RNA splicing suggest that this variant may disrupt the consensus splice site. This variant has not been reported in the literature in individuals affected with GABRD-related conditions. This variant is not present in population databases (gnomAD no frequency). This sequence change affects an acceptor splice site in intron 3 of the GABRD gene. It is expected to disrupt RNA splicing. Variants that disrupt the donor or acceptor splice site typically lead to a loss of protein function (PMID: 16199547), however the current clinical and genetic evidence is not sufficient to establish whether loss-of-function variants in GABRD cause disease.

Literature cited by the submitters: PubMed 16199547.